The following is an entry in ClinVar:

NM_032108.4(SEMA6B):c.1950C>T (p.Ser650=)

Gene: SEMA6B (semaphorin 6B; minus strand). Cytogenetic location: 19p13.3.
Variant type: single nucleotide variant.
Coding change: c.1950C>T on transcript NM_032108.4 (MANE Select); coding-DNA position 1950, C replaced by T.
Protein change: p.Ser650=; no amino-acid change (serine 650 retained).
Molecular consequence: synonymous variant.
Genome position (GRCh38, 1-based): chr19:4,544,318, G>A on the plus strand (C>T on the coding strand, the complement: SEMA6B is on the minus strand). VCF-style: chr19-4544318-G-A. GRCh37 (hg19) VCF-style: chr19-4544330-G-A.
Identifiers: ClinVar variation 3389281 (VCV003389281.14).

ClinVar aggregate classification (germline): Likely benign (1 of 4 stars; one submission).

gnomAD v4.1: 3 of 1,495,110 alleles (0.0002%); highest among the groups gnomAD compares: Non-Finnish European, 0.00027%; no homozygotes.

Submission:

CeGaT Center for Human Genetics Tuebingen
Classification: Likely benign. Last evaluated: 2024-10-01. Review status: criteria provided, single submitter. Criteria: CeGaT Center For Human Genetics Tuebingen Variant Classification Criteria Version 2. Collection method: clinical testing. Allele origin: germline. Affected: yes. Observed: 1 variant allele.
Comment: SEMA6B: BP4, BP7